The following is an entry in ClinVar:

NM_017775.4(TTC19):c.462+246C>T

Gene: TTC19 (tetratricopeptide repeat domain 19; plus strand). Cytogenetic location: 17p12.
Variant type: single nucleotide variant.
Coding change: c.462+246C>T on transcript NM_017775.4 (MANE Select); 246 bases into the intron after coding-DNA position 462, C replaced by T.
Molecular consequence: intron variant.
Genome position (GRCh38, 1-based): chr17:16,003,077, C>T. VCF-style: chr17-16003077-C-T. GRCh37 (hg19) VCF-style: chr17-15906391-C-T.
Other names: c.141+246C>T (NM_001271420.2).
Identifiers: ClinVar variation 684293 (VCV000684293.1), dbSNP rs2302415, ClinGen allele CA15896676.

ClinVar aggregate classification (germline): Benign (1 of 4 stars; one submission).

Allele frequency attached by ClinVar (database versions not stated): 1000 Genomes Project 0.58387; 1000 Genomes Project 30x 0.59541; gnomAD 0.63913 and 0.65008; TOPMed 0.64029.
gnomAD v4.1: 96,866 of 151,760 alleles (64%); highest among the groups gnomAD compares: African/African-American, 84%; 32,401 homozygotes.

Submission:

GeneDx
Classification: Benign. Last evaluated: 2018-06-14. Review status: criteria provided, single submitter. Criteria: GeneDx Variant Classification (06012015). Collection method: clinical testing. Allele origin: germline. Affected: yes.
Comment: This variant is considered likely benign or benign based on one or more of the following criteria: it is a conservative change, it occurs at a poorly conserved position in the protein, it is predicted to be benign by multiple in silico algorithms, and/or has population frequency not consistent with disease.